The following is an entry in ClinVar:

ClinVar aggregate classification (germline): Uncertain significance (1 of 4 stars; one submission).

Conditions:
Parathyroid carcinoma (PRTC). Also called: Parathyroid gland carcinoma; CDC73-Related Parathyroid Carcinoma. Identifiers: Orphanet 143, MedGen C0687150, MONDO:0012004, OMIM 608266, HP:0006780.

Submission:

Labcorp Genetics (formerly Invitae), Labcorp
Classification: Uncertain significance for Parathyroid carcinoma. Last evaluated: 2021-11-25. Review status: criteria provided, single submitter. Criteria: Invitae Variant Classification Sherloc (09022015). Collection method: clinical testing. Allele origin: germline.
Comment: In summary, the available evidence is currently insufficient to determine the role of this variant in disease. Therefore, it has been classified as a Variant of Uncertain Significance. Algorithms developed to predict the effect of missense changes on protein structure and function (SIFT, PolyPhen-2, Align-GVGD) all suggest that this variant is likely to be tolerated. This variant has not been reported in the literature in individuals affected with CDC73-related conditions. This variant is not present in population databases (gnomAD no frequency). This sequence change replaces asparagine, which is neutral and polar, with aspartic acid, which is acidic and polar, at codon 82 of the CDC73 protein (p.Asn82Asp).

NM_024529.5(CDC73):c.244A>G (p.Asn82Asp)

Gene: CDC73 (cell division cycle 73; plus strand). Cytogenetic location: 1q31.2.
Variant type: single nucleotide variant.
Coding change: c.244A>G on transcript NM_024529.5 (MANE Select); coding-DNA position 244, A replaced by G.
Protein change: p.Asn82Asp; replaces asparagine 82 with aspartic acid.
Molecular consequence: missense variant.
Genome position (GRCh38, 1-based): chr1:193,130,180, A>G. VCF-style: chr1-193130180-A-G. GRCh37 (hg19) VCF-style: chr1-193099310-A-G.
Other names: short protein forms N82D.
Identifiers: ClinVar variation 1461734 (VCV001461734.6), dbSNP rs2103117785, ClinGen allele CA343973283.
Genomic context (GRCh38, chr1:193,130,180, plus strand): 5'-AAGTTGTGTATCATTGTTATTCATTTCATATCTCATTTAAAATTTTGGTTTTAGACTGAA[A>G]ATATTCCTGTGGTTAGAAGACCTGATCGAAAAGATCTACTTGGATATCTCAATGGTGAAG-3'
Protein context (NP_078805.3, residues 72-92): PVYVRRAATE[Asn82Asp]IPVVRRPDRK